The following is an entry in ClinVar:

NM_001384474.1(LOXHD1):c.2370C>T (p.Asp790=)

Gene: LOXHD1 (lipoxygenase homology PLAT domains 1; minus strand). Cytogenetic location: 18q21.1.
Variant type: single nucleotide variant.
Coding change: c.2370C>T on transcript NM_001384474.1 (MANE Select); coding-DNA position 2370, C replaced by T.
Protein change: p.Asp790=; no amino-acid change (aspartic acid 790 retained).
Molecular consequence: synonymous variant.
Genome position (GRCh38, 1-based): chr18:46,566,324, G>A on the plus strand (C>T on the coding strand, the complement: LOXHD1 is on the minus strand). VCF-style: chr18-46566324-G-A. GRCh37 (hg19) VCF-style: chr18-44146287-G-A.
Other names: c.2370C>T, p.Asp790= (NM_144612.7).
Identifiers: ClinVar variation 178614 (VCV000178614.29), dbSNP rs34723936, ClinGen allele CA182667.

ClinVar aggregate classification (germline): Benign/Likely benign. Review status: criteria provided, multiple submitters, no conflicts (2 of 4 stars). 9 submissions from 9 submitters: Benign (6); Likely benign (2). 1 of the submissions does not count toward it. Last evaluated 2026-02-01.

Conditions:
Autosomal recessive nonsyndromic hearing loss 77. Identifiers: Orphanet 90636, MedGen C2746083, MONDO:0013119, OMIM 613079.

Allele frequency attached by ClinVar (database versions not stated): 1000 Genomes Project 0.02077; 1000 Genomes Project 30x 0.02249; gnomAD exomes 0.00330 and 0.00790; ESP Exome Variant Server 0.01467; ExAC 0.01650; gnomAD 0.01675 and 0.01692; TOPMed 0.01747.
gnomAD v4.1: 7,268 of 1,551,864 alleles (0.47%); highest among the groups gnomAD compares: African/African-American, 5.4%; 193 homozygotes.

Submissions (9):

Labcorp Genetics (formerly Invitae), Labcorp
Classification: Benign. Last evaluated: 2026-02-01. Review status: criteria provided, single submitter. Criteria: Invitae Variant Classification Sherloc (09022015). Collection method: clinical testing. Allele origin: germline.

ARUP Laboratories, Molecular Genetics and Genomics, ARUP Laboratories
Classification: Benign for Autosomal recessive nonsyndromic hearing loss 77. Last evaluated: 2023-11-29. Review status: criteria provided, single submitter. Criteria: ARUP Molecular Germline Variant Investigation Process 2024. Collection method: clinical testing. Allele origin: germline.

Athena Diagnostics
Classification: Benign. Last evaluated: 2018-05-23. Review status: criteria provided, single submitter. Criteria: Athena Diagnostics Criteria. Collection method: clinical testing. Allele origin: germline.

Illumina Laboratory Services, Illumina
Classification: Likely benign for Autosomal recessive nonsyndromic hearing loss 77. Last evaluated: 2018-01-13. Review status: criteria provided, single submitter. Criteria: ICSL Variant Classification Criteria 13 December 2019. Collection method: clinical testing. Allele origin: germline.
Comment: This variant was observed in the ICSL laboratory as part of a predisposition screen in an ostensibly healthy population. It had not been previously curated by ICSL or reported in the Human Gene Mutation Database (HGMD: prior to June 1st, 2018), and was therefore a candidate for classification through an automated scoring system. Utilizing variant allele frequency, disease prevalence and penetrance estimates, and inheritance mode, an automated score was calculated to assess if this variant is too frequent to cause the disease. Based on the score and internal cut-off values, a variant classified as likely benign is not then subjected to further curation. The score for this variant resulted in a classification of likely benign for this disease.

GeneDx
Classification: Benign. Last evaluated: 2017-12-18. Review status: criteria provided, single submitter. Criteria: GeneDx Variant Classification (06012015). Collection method: clinical testing. Allele origin: germline. Affected: yes.
Comment: This variant is considered likely benign or benign based on one or more of the following criteria: it is a conservative change, it occurs at a poorly conserved position in the protein, it is predicted to be benign by multiple in silico algorithms, and/or has population frequency not consistent with disease.

Laboratory for Molecular Medicine, Mass General Brigham Personalized Medicine
Classification: Benign. Last evaluated: 2012-05-07. Review status: criteria provided, single submitter. Criteria: LMM Criteria. Collection method: clinical testing. Allele origin: germline. Observed: 18 variant alleles.
Comment: "Asp790Asp in Exon 17 of LOXHD1: This variant is not expected to have clinical s ignificance because it does not alter an amino acid residue, is not located with in the splice consensus sequence, and has been identified in 4.0% (28/702) of Af rican American chromosomes from a broad population by the NHLBI Exome Sequencing Project (dbSNP rs34723936)."

Breakthrough Genomics
Classification: Likely benign. Review status: criteria provided, single submitter. Criteria: ACMG Guidelines, 2015. Collection method: not provided. Allele origin: germline. Inheritance: Autosomal recessive inheritance. Affected: yes.

PreventionGenetics, part of Exact Sciences
Classification: Benign. Review status: criteria provided, single submitter. Criteria: ACMG Guidelines, 2015. Collection method: clinical testing. Allele origin: germline.

Natera, Inc.
Classification: Benign for Autosomal recessive deafness type 77. Last evaluated: 2020-09-16. Review status: no assertion criteria provided. Collection method: clinical testing. Allele origin: germline. Not counted in ClinVar's aggregate classification.